The following is an entry in ClinVar:

ClinVar aggregate classification (germline): Benign. Review status: criteria provided, multiple submitters, no conflicts (2 of 4 stars). 2 submissions from 2 submitters: Benign (2). Last evaluated 2018-01-13.

Conditions:
Methylmalonate semialdehyde dehydrogenase deficiency (MMSDHD). Also called: MMSDH DEFICIENCY. Identifiers: Orphanet 289307, MedGen C3279840, MONDO:0013579, OMIM 614105.

Allele frequency attached by ClinVar (database versions not stated): gnomAD exomes 0.22000; gnomAD 0.23558 and 0.24085; TOPMed 0.24345; 1000 Genomes Project 0.30092; 1000 Genomes Project 30x 0.30137.
gnomAD v4.1: 36,629 of 151,910 alleles (24%); highest among the groups gnomAD compares: South Asian, 46%; 5,000 homozygotes.

Submissions (2):

Illumina Laboratory Services, Illumina
Classification: Benign for Methylmalonate semialdehyde dehydrogenase deficiency. Last evaluated: 2018-01-13. Review status: criteria provided, single submitter. Criteria: ICSL Variant Classification Criteria 13 December 2019. Collection method: clinical testing. Allele origin: germline.
Comment: This variant was observed in the ICSL laboratory as part of a predisposition screen in an ostensibly healthy population. It had not been previously curated by ICSL or reported in the Human Gene Mutation Database (HGMD: prior to June 1st, 2018), and was therefore a candidate for classification through an automated scoring system. Utilizing variant allele frequency, disease prevalence and penetrance estimates, and inheritance mode, an automated score was calculated to assess if this variant is too frequent to cause the disease. Based on the score and internal cut-off values, a variant classified as benign is not then subjected to further curation. The score for this variant resulted in a classification of benign for this disease.

Breakthrough Genomics
Classification: Benign. Review status: criteria provided, single submitter. Criteria: ACMG Guidelines, 2015. Collection method: not provided. Allele origin: germline. Inheritance: Autosomal recessive inheritance. Affected: yes.

NM_005589.4(ALDH6A1):c.*1934T>C

Genes: ALDH6A1 (aldehyde dehydrogenase 6 family member A1; minus strand), BBOF1 (basal body orientation factor 1; plus strand). Cytogenetic location: 14q24.3.
Variant type: single nucleotide variant.
Coding change: c.*1934T>C on transcript NM_005589.4 (MANE Select); 1934 bases downstream of the stop codon, T replaced by C.
Molecular consequence: 3 prime UTR variant. On other transcripts: intron variant (1).
Genome position (GRCh38, 1-based): chr14:74,058,708, A>G on the plus strand (T>C on the coding strand, the complement: ALDH6A1 is on the minus strand). VCF-style: chr14-74058708-A-G. GRCh37 (hg19) VCF-style: chr14-74525411-A-G.
Other names: c.*1934T>C (NM_001278593.2, NM_001278594.2); c.1578+1450A>G (NM_025057.3).
Identifiers: ClinVar variation 884866 (VCV000884866.5), dbSNP rs10200, ClinGen allele CA13980564.